The following is an entry in ClinVar:

NM_152383.5(DIS3L2):c.1938A>C (p.Gln646His)

Gene: DIS3L2 (DIS3 like 3'-5' exoribonuclease 2; plus strand). Cytogenetic location: 2q37.1.
Variant type: single nucleotide variant.
Coding change: c.1938A>C on transcript NM_152383.5 (MANE Select); coding-DNA position 1938, A replaced by C.
Protein change: p.Gln646His; replaces glutamine 646 with histidine.
Molecular consequence: missense variant. On other transcripts: non-coding transcript variant (2), intron variant (1).
Genome position (GRCh38, 1-based): chr2:232,330,704, A>C. VCF-style: chr2-232330704-A-C. GRCh37 (hg19) VCF-style: chr2-233195414-A-C.
Other names: c.1582-12641A>C (NM_001257281.2); short protein forms Q646H.
Identifiers: ClinVar variation 2134837 (VCV002134837.4), dbSNP rs759241431, ClinGen allele CA2164332.

ClinVar aggregate classification (germline): Uncertain significance (1 of 4 stars; one submission).

Conditions:
Perlman syndrome (PRLMNS). Identifiers: Orphanet 2849, MedGen C0796113, MONDO:0009965, OMIM 267000.

Allele frequency attached by ClinVar (database versions not stated): ExAC 0.00001.

Submission:

Labcorp Genetics (formerly Invitae), Labcorp
Classification: Uncertain significance for Perlman syndrome. Last evaluated: 2021-11-24. Review status: criteria provided, single submitter. Criteria: Invitae Variant Classification Sherloc (09022015). Collection method: clinical testing. Allele origin: germline.
Comment: In summary, the available evidence is currently insufficient to determine the role of this variant in disease. Therefore, it has been classified as a Variant of Uncertain Significance. Algorithms developed to predict the effect of missense changes on protein structure and function (SIFT, PolyPhen-2, Align-GVGD) all suggest that this variant is likely to be tolerated. This variant has not been reported in the literature in individuals affected with DIS3L2-related conditions. This variant is present in population databases (rs759241431, gnomAD 0.0009%). This sequence change replaces glutamine, which is neutral and polar, with histidine, which is basic and polar, at codon 646 of the DIS3L2 protein (p.Gln646His).